The following is an entry in ClinVar:

NM_019066.5(MAGEL2):c.2990C>T (p.Ala997Val)

Gene: MAGEL2 (MAGE family member L2; minus strand). Cytogenetic location: 15q11.2.
Variant type: single nucleotide variant.
Coding change: c.2990C>T on transcript NM_019066.5 (MANE Select); coding-DNA position 2990, C replaced by T.
Protein change: p.Ala997Val; replaces alanine 997 with valine.
Molecular consequence: missense variant.
Genome position (GRCh38, 1-based): chr15:23,644,753, G>A on the plus strand (C>T on the coding strand, the complement: MAGEL2 is on the minus strand). VCF-style: chr15-23644753-G-A. GRCh37 (hg19) VCF-style: chr15-23889900-G-A.
Other names: short protein forms A997V.
Identifiers: ClinVar variation 2463823 (VCV002463823.3), dbSNP rs1566783599, ClinGen allele CA391326705.

ClinVar aggregate classification (germline): Uncertain significance. Review status: criteria provided, multiple submitters, no conflicts (2 of 4 stars). 2 submissions from 2 submitters: Uncertain significance (2). Last evaluated 2025-05-22.

Conditions:
MAGEL2-related disorder. Also called: MAGEL2-related condition.
Inborn genetic diseases. Identifiers: MedGen C0950123, MeSH D030342.

Allele frequency attached by ClinVar (database versions not stated): gnomAD exomes below 0.00001.
gnomAD v4.1: 1 of 1,613,808 alleles (0.000062%); highest among the groups gnomAD compares: African/African-American, 0.0013%; no homozygotes.

Submissions (2):

PreventionGenetics, part of Exact Sciences
Classification: Uncertain significance for MAGEL2-related condition. Last evaluated: 2025-05-22. Review status: criteria provided, single submitter. Criteria: ACMG Guidelines, 2015. Collection method: clinical testing. Allele origin: germline.
Comment: The MAGEL2 c.2990C>T variant is predicted to result in the amino acid substitution p.Ala997Val. To our knowledge, this variant has not been reported in the literature. This variant is reported in 0.0065% of alleles in individuals of African descent in gnomAD. At this time, the clinical significance of this variant is uncertain due to the absence of conclusive functional and genetic evidence.

Ambry Genetics
Classification: Uncertain significance for Inborn genetic diseases. Last evaluated: 2023-01-23. Review status: criteria provided, single submitter. Criteria: Ambry Variant Classification Scheme 2023. Collection method: clinical testing. Allele origin: germline.